The following is an entry in ClinVar:

ClinVar aggregate classification (germline): Uncertain significance. Review status: criteria provided, multiple submitters, no conflicts (2 of 4 stars). 2 submissions from 2 submitters: Uncertain significance (2). Last evaluated 2022-07-17.

Conditions:
Hereditary spastic paraplegia 31. Also called: SPASTIC PARAPLEGIA 31, AUTOSOMAL DOMINANT. Identifiers: Orphanet 101011, MedGen C1853247, MONDO:0012453, OMIM 610250.

Submissions (2):

Labcorp Genetics (formerly Invitae), Labcorp
Classification: Uncertain significance for Hereditary spastic paraplegia 31. Last evaluated: 2022-07-17. Review status: criteria provided, single submitter. Criteria: Invitae Variant Classification Sherloc (09022015). Collection method: clinical testing. Allele origin: germline.
Comment: In summary, the available evidence is currently insufficient to determine the role of this variant in disease. Therefore, it has been classified as a Variant of Uncertain Significance. This sequence change replaces glutamic acid, which is acidic and polar, with lysine, which is basic and polar, at codon 100 of the REEP1 protein (p.Glu100Lys). This variant is not present in population databases (gnomAD no frequency). This variant has not been reported in the literature in individuals affected with REEP1-related conditions. ClinVar contains an entry for this variant (Variation ID: 1685061). Algorithms developed to predict the effect of missense changes on protein structure and function are either unavailable or do not agree on the potential impact of this missense change (SIFT: "Deleterious"; PolyPhen-2: "Possibly Damaging"; Align-GVGD: "Class C0").

Mendelics
Classification: Uncertain significance. Last evaluated: 2022-05-04. Review status: criteria provided, single submitter. Criteria: Mendelics Assertion Criteria 2019. Collection method: clinical testing. Allele origin: germline.

NM_001371279.1(REEP1):c.298G>A (p.Glu100Lys)

Gene: REEP1 (receptor accessory protein 1; minus strand). Cytogenetic location: 2p11.2.
Variant type: single nucleotide variant.
Coding change: c.298G>A on transcript NM_001371279.1 (MANE Select); coding-DNA position 298, G replaced by A.
Protein change: p.Glu100Lys; replaces glutamic acid 100 with lysine.
Molecular consequence: missense variant. On other transcripts: intron variant (1).
Genome position (GRCh38, 1-based): chr2:86,254,699, C>T on the plus strand (G>A on the coding strand, the complement: REEP1 is on the minus strand). VCF-style: chr2-86254699-C-T. GRCh37 (hg19) VCF-style: chr2-86481822-C-T.
Other names: c.319G>A, p.Glu107Lys (NM_001164730.2); c.217G>A, p.Glu73Lys (NM_001164731.2); c.298G>A, p.Glu100Lys (NM_001371280.1, NM_022912.3); c.182+9266G>A (NM_001164732.2); short protein forms E100K, E107K, E73K.
Identifiers: ClinVar variation 1685061 (VCV001685061.6), dbSNP rs2104243924, ClinGen allele CA347716943.
Genomic context (GRCh38, chr2:86,254,699, plus strand): 5'-ATTACTTATTTTCTCACTTGCTAGAAAGAATGAAAGACATGGCAGCATATATTACCTTTT[C>T]TTTTGAAGATAGCGTGGGATGTACAAACTTCCTGTACAGGAGGCTGGAGCCTTTTGTGTA-3'
Protein context (NP_001358208.1, residues 90-110): KFVHPTLSSK[Glu100Lys]KEIDDCLVQA